The following is an entry in ClinVar:

ClinVar aggregate classification (germline): Uncertain significance. Review status: criteria provided, multiple submitters, no conflicts (2 of 4 stars). 3 submissions from 3 submitters: Uncertain significance (3). Last evaluated 2025-05-06.

Allele frequency attached by ClinVar (database versions not stated): gnomAD below 0.00001 and 0.00001; TOPMed 0.00002; gnomAD exomes 0.00003 and 0.00005; ExAC 0.00004.

Submissions (3):

Labcorp Genetics (formerly Invitae), Labcorp
Classification: Uncertain significance. Last evaluated: 2025-05-06. Review status: criteria provided, single submitter. Criteria: Invitae Variant Classification Sherloc (09022015). Collection method: clinical testing. Allele origin: germline.
Comment: This sequence change replaces arginine, which is basic and polar, with tryptophan, which is neutral and slightly polar, at codon 113 of the UNC119 protein (p.Arg113Trp). This variant is present in population databases (rs771156231, gnomAD 0.03%). This variant has not been reported in the literature in individuals affected with UNC119-related conditions. ClinVar contains an entry for this variant (Variation ID: 939369). An algorithm developed to predict the effect of missense changes on protein structure and function (PolyPhen-2) suggests that this variant is likely to be disruptive. In summary, the available evidence is currently insufficient to determine the role of this variant in disease. Therefore, it has been classified as a Variant of Uncertain Significance.

Ambry Genetics
Classification: Uncertain significance. Last evaluated: 2025-02-18. Review status: criteria provided, single submitter. Criteria: Ambry Variant Classification Scheme 2023. Collection method: clinical testing. Allele origin: germline.

Blueprint Genetics
Classification: Uncertain significance. Last evaluated: 2024-03-25. Review status: criteria provided, single submitter. Criteria: ACMG Guidelines, 2015. Collection method: clinical testing. Allele origin: germline.

NM_005148.4(UNC119):c.337C>T (p.Arg113Trp)

Gene: UNC119 (unc-119 lipid binding chaperone; minus strand). Cytogenetic location: 17q11.2.
Variant type: single nucleotide variant.
Coding change: c.337C>T on transcript NM_005148.4 (MANE Select); coding-DNA position 337, C replaced by T.
Protein change: p.Arg113Trp; replaces arginine 113 with tryptophan.
Molecular consequence: missense variant.
Genome position (GRCh38, 1-based): chr17:28,548,099, G>A on the plus strand (C>T on the coding strand, the complement: UNC119 is on the minus strand). VCF-style: chr17-28548099-G-A. GRCh37 (hg19) VCF-style: chr17-26875117-G-A.
Other names: c.52C>T, p.Arg18Trp (NM_001330166.2); c.337C>T, p.Arg113Trp (NM_054035.2); short protein forms R113W, R18W.
Identifiers: ClinVar variation 939369 (VCV000939369.8), dbSNP rs771156231, ClinGen allele CA8459829.
Genomic context (GRCh38, chr17:28,548,099, plus strand): 5'-ACTGGTAGCGGACAAAGCGCCCAGCATTGGGGTCCAGGTCCCGCCGGTTGATGGGCAACC[G>A]TTCTGCAATGTACCCCAGCTGGGGCTCAGTGGGCTTCAGGCTGGGCCCTTGTCCACCCAG-3'
Protein context (NP_005139.1, residues 103-123): FEIKKPPVSE[Arg113Trp]LPINRRDLDP